The following is an entry in ClinVar:

ClinVar aggregate classification (germline): Uncertain significance (1 of 4 stars; one submission).

Conditions:
Inborn genetic diseases. Identifiers: MedGen C0950123, MeSH D030342.

Submission:

Ambry Genetics
Classification: Uncertain significance for Inborn genetic diseases. Last evaluated: 2023-09-19. Review status: criteria provided, single submitter. Criteria: Ambry Variant Classification Scheme 2023. Collection method: clinical testing. Allele origin: germline.
Comment: The c.193A>G (p.N65D) alteration is located in exon 2 (coding exon 2) of the STUB1 gene. This alteration results from an A to G substitution at nucleotide position 193, causing the asparagine (N) at amino acid position 65 to be replaced by an aspartic acid (D). This variant was not reported in population-based cohorts in the Genome Aggregation Database (gnomAD). Another alteration at the same codon, c.194A>G (p.N65S), has been described (Heimdal, 2014). This amino acid position is highly conserved in available vertebrate species. This alteration is predicted to be tolerated by in silico analysis. Based on insufficient or conflicting evidence, the clinical significance of this alteration remains unclear.

Literature cited by the submitters: PubMed 25258038.

NM_005861.4(STUB1):c.193A>G (p.Asn65Asp)

Gene: STUB1 (STIP1 homology and U-box containing protein 1; plus strand). Cytogenetic location: 16p13.3.
Variant type: single nucleotide variant.
Coding change: c.193A>G on transcript NM_005861.4 (MANE Select); coding-DNA position 193, A replaced by G.
Protein change: p.Asn65Asp; replaces asparagine 65 with aspartic acid.
Molecular consequence: missense variant. On other transcripts: 5 prime UTR variant (1).
Genome position (GRCh38, 1-based): chr16:681,185, A>G. VCF-style: chr16-681185-A-G. GRCh37 (hg19) VCF-style: chr16-731185-A-G.
Other names: c.-24A>G (NM_001293197.2); short protein forms N65D.
Identifiers: ClinVar variation 3171709 (VCV003171709.1), dbSNP rs2543803300, ClinGen allele CA394110250.
Genomic context (GRCh38, chr16:681,185, plus strand): 5'-TGCGGCTGGCCCGGCCTTGGTCCCTAGACCCGGAACCCGCTGGTGGCCGTGTATTACACC[A>G]ACCGGGCCTTGTGCTACCTGAAGATGCAGCAGCACGAGCAGGCCCTGGCCGACTGCCGGC-3'
Protein context (NP_005852.2, residues 55-75): RNPLVAVYYT[Asn65Asp]RALCYLKMQQ